The following is an entry in ClinVar:

ClinVar aggregate classification (germline): Uncertain significance (1 of 4 stars; one submission).

Allele frequency attached by ClinVar (database versions not stated): gnomAD 0.00001; TOPMed 0.00001; ExAC 0.00003; 1000 Genomes Project 0.00020; 1000 Genomes Project 30x 0.00047.
gnomAD v4.1: 9 of 1,614,088 alleles (0.00056%); highest among the groups gnomAD compares: East Asian, 0.02%; no homozygotes.

Submission:

Labcorp Genetics (formerly Invitae), Labcorp
Classification: Uncertain significance. Last evaluated: 2021-12-27. Review status: criteria provided, single submitter. Criteria: Invitae Variant Classification Sherloc (09022015). Collection method: clinical testing. Allele origin: germline.
Comment: In summary, the available evidence is currently insufficient to determine the role of this variant in disease. Therefore, it has been classified as a Variant of Uncertain Significance. Variants that disrupt the consensus splice site are a relatively common cause of aberrant splicing (PMID: 17576681, 9536098). Algorithms developed to predict the effect of sequence changes on RNA splicing suggest that this variant may disrupt the consensus splice site. This variant has not been reported in the literature in individuals affected with ARHGEF10-related conditions. This variant is present in population databases (rs201956914, gnomAD 0.03%). This sequence change falls in intron 4 of the ARHGEF10 gene. It does not directly change the encoded amino acid sequence of the ARHGEF10 protein. It affects a nucleotide within the consensus splice site.

Literature cited by the submitters: PubMed 17576681; PubMed 9536098.

NM_014629.4(ARHGEF10):c.482-3C>T

Gene: ARHGEF10 (Rho guanine nucleotide exchange factor 10; plus strand). Cytogenetic location: 8p23.3.
Variant type: single nucleotide variant.
Coding change: c.482-3C>T on transcript NM_014629.4 (MANE Select); 3 bases into the intron before coding-DNA position 482, C replaced by T.
Molecular consequence: intron variant. On other transcripts: missense variant (2).
Genome position (GRCh38, 1-based): chr8:1,864,370, C>T. VCF-style: chr8-1864370-C-T. GRCh37 (hg19) VCF-style: chr8-1812536-C-T.
Other names: c.482C>T, p.Ala161Val (NM_001308152.2, NM_001308153.3); short protein forms A185V, A161V.
Identifiers: ClinVar variation 1900576 (VCV001900576.5), dbSNP rs201956914, ClinGen allele CA4599814.